The following is an entry in ClinVar:

ClinVar aggregate classification (germline): Uncertain significance (1 of 4 stars; one submission).

Submission:

CeGaT Center for Human Genetics Tuebingen
Classification: Uncertain significance. Last evaluated: 2025-10-01. Review status: criteria provided, single submitter. Criteria: CeGaT Center For Human Genetics Tuebingen Variant Classification Criteria Version 2. Collection method: clinical testing. Allele origin: germline. Affected: yes. Observed: 1 variant allele.
Comment: IGFBP5: PM2, PP3

NM_000599.4(IGFBP5):c.787T>C (p.Cys263Arg)

Gene: IGFBP5 (insulin like growth factor binding protein 5; minus strand). Cytogenetic location: 2q35.
Variant type: single nucleotide variant.
Coding change: c.787T>C on transcript NM_000599.4 (MANE Select); coding-DNA position 787, T replaced by C.
Protein change: p.Cys263Arg; replaces cysteine 263 with arginine.
Molecular consequence: missense variant.
Genome position (GRCh38, 1-based): chr2:216,676,783, A>G on the plus strand (T>C on the coding strand, the complement: IGFBP5 is on the minus strand). VCF-style: chr2-216676783-A-G. GRCh37 (hg19) VCF-style: chr2-217541506-A-G.
Other names: short protein forms C263R.
Identifiers: ClinVar variation 4535003 (VCV004535003.6).